The following is an entry in ClinVar:

ClinVar aggregate classification (germline): Uncertain significance (1 of 4 stars; one submission).

Submission:

Labcorp Genetics (formerly Invitae), Labcorp
Classification: Uncertain significance. Last evaluated: 2025-11-22. Review status: criteria provided, single submitter. Criteria: Invitae Variant Classification Sherloc (09022015). Collection method: clinical testing. Allele origin: germline.
Comment: This sequence change replaces lysine, which is basic and polar, with glutamine, which is neutral and polar, at codon 963 of the NEFH protein (p.Lys963Gln). This variant is not present in population databases (gnomAD no frequency). This variant has not been reported in the literature in individuals affected with NEFH-related conditions. Invitae Evidence Modeling of protein sequence and biophysical properties (such as structural, functional, and spatial information, amino acid conservation, physicochemical variation, residue mobility, and thermodynamic stability) indicates that this missense variant is not expected to disrupt NEFH protein function with a negative predictive value of 95%. In summary, the available evidence is currently insufficient to determine the role of this variant in disease. Therefore, it has been classified as a Variant of Uncertain Significance.

NM_021076.4(NEFH):c.2887A>C (p.Lys963Gln)

Gene: NEFH (neurofilament heavy chain; plus strand). Cytogenetic location: 22q12.2.
Variant type: single nucleotide variant.
Coding change: c.2887A>C on transcript NM_021076.4 (MANE Select); coding-DNA position 2887, A replaced by C.
Protein change: p.Lys963Gln; replaces lysine 963 with glutamine.
Molecular consequence: missense variant.
Genome position (GRCh38, 1-based): chr22:29,490,527, A>C. VCF-style: chr22-29490527-A-C. GRCh37 (hg19) VCF-style: chr22-29886516-A-C.
Other names: short protein forms K963Q.
Identifiers: ClinVar variation 4803175 (VCV004803175.1).